The following is an entry in ClinVar:

NM_033028.5(BBS4):c.1172C>T (p.Ala391Val)

Gene: BBS4 (Bardet-Biedl syndrome 4; plus strand). Cytogenetic location: 15q24.1.
Variant type: single nucleotide variant.
Coding change: c.1172C>T on transcript NM_033028.5 (MANE Select); coding-DNA position 1172, C replaced by T.
Protein change: p.Ala391Val; replaces alanine 391 with valine.
Molecular consequence: missense variant. On other transcripts: non-coding transcript variant (2).
Genome position (GRCh38, 1-based): chr15:72,735,890, C>T. VCF-style: chr15-72735890-C-T. GRCh37 (hg19) VCF-style: chr15-73028231-C-T.
Other names: c.656C>T, p.Ala219Val (NM_001252678.2); c.1103C>T, p.Ala368Val (NM_001320665.2); short protein forms A391V, A368V, A219V.
Identifiers: ClinVar variation 434495 (VCV000434495.15), dbSNP rs1419955498, ClinGen allele CA393080089.
Genomic context (GRCh38, chr15:72,735,890, plus strand): 5'-ACCCTTTAGTAAACCTGAACTATGCTGTGCTGCTGTACAACCAGGGCGAGAAGAAGAACG[C>T]CCTGGCCCAATATCAGGAGATGGAGAAGAAAGTCAGCCTACTCAAGGACAATAGCTCTCT-3'
Protein context (NP_149017.2, residues 381-401): LLYNQGEKKN[Ala391Val]LAQYQEMEKK

ClinVar aggregate classification (germline): Uncertain significance. Review status: criteria provided, multiple submitters, no conflicts (2 of 4 stars). 5 submissions from 5 submitters: Uncertain significance (5). Last evaluated 2026-09-03.

Conditions:
BBS4-related disorder. Also called: BBS4-related condition.
Bardet-Biedl syndrome 4 (BBS4). Identifiers: Orphanet 110, MedGen C2936864, MONDO:0014433, OMIM 615982.
Bardet-Biedl syndrome (BBS). Identifiers: Orphanet 110, MedGen C0752166, MONDO:0015229.

Allele frequency attached by ClinVar (database versions not stated): gnomAD exomes below 0.00001 and 0.00001; gnomAD 0.00001; TOPMed 0.00001.
gnomAD v4.1: 10 of 1,613,976 alleles (0.00062%); highest among the groups gnomAD compares: Admixed American, 0.01%; no homozygotes.

Submissions (5):

PreventionGenetics, part of Exact Sciences
Classification: Uncertain significance for BBS4-related condition. Last evaluated: 2026-09-03. Review status: criteria provided, single submitter. Criteria: ACMG Guidelines, 2015. Collection method: clinical testing. Allele origin: germline.
Comment: The BBS4 c.1172C>T variant is predicted to result in the amino acid substitution p.Ala391Val. To our knowledge, this variant has not been reported in the literature. This variant is reported in 0.0058% of alleles in individuals of Latino descent in gnomAD. At this time, the clinical significance of this variant is uncertain due to the absence of conclusive functional and genetic evidence.

Blueprint Genetics
Classification: Uncertain significance. Last evaluated: 2024-05-21. Review status: criteria provided, single submitter. Criteria: ACMG Guidelines, 2015. Collection method: clinical testing. Allele origin: germline.

Labcorp Genetics (formerly Invitae), Labcorp
Classification: Uncertain significance for Bardet-Biedl syndrome. Last evaluated: 2023-11-06. Review status: criteria provided, single submitter. Criteria: Invitae Variant Classification Sherloc (09022015). Collection method: clinical testing. Allele origin: germline.
Comment: This sequence change replaces alanine, which is neutral and non-polar, with valine, which is neutral and non-polar, at codon 391 of the BBS4 protein (p.Ala391Val). This variant is present in population databases (no rsID available, gnomAD 0.006%). This variant has not been reported in the literature in individuals affected with BBS4-related conditions. ClinVar contains an entry for this variant (Variation ID: 434495). Advanced modeling of protein sequence and biophysical properties (such as structural, functional, and spatial information, amino acid conservation, physicochemical variation, residue mobility, and thermodynamic stability) has been performed at Invitae for this missense variant, however the output from this modeling did not meet the statistical confidence thresholds required to predict the impact of this variant on BBS4 protein function. In summary, the available evidence is currently insufficient to determine the role of this variant in disease. Therefore, it has been classified as a Variant of Uncertain Significance.

Fulgent Genetics
Classification: Uncertain significance for Bardet-Biedl syndrome 4. Last evaluated: 2022-03-16. Review status: criteria provided, single submitter. Criteria: ACMG Guidelines, 2015. Collection method: clinical testing. Allele origin: unknown.

Genetic Services Laboratory, University of Chicago
Classification: Uncertain significance. Last evaluated: 2016-10-11. Review status: criteria provided, single submitter. Criteria: ACMG Guidelines, 2015. Collection method: clinical testing. Allele origin: germline. Affected: no.